The following is an entry in ClinVar:

NM_001458.5(FLNC):c.8027A>G (p.Lys2676Arg)

Genes: FLNC (filamin C; plus strand), FLNC-AS1 (FLNC antisense RNA 1; minus strand). Cytogenetic location: 7q32.1.
Variant type: single nucleotide variant.
Coding change: c.8027A>G on transcript NM_001458.5 (MANE Select); coding-DNA position 8027, A replaced by G.
Protein change: p.Lys2676Arg; replaces lysine 2676 with arginine.
Molecular consequence: missense variant.
Genome position (GRCh38, 1-based): chr7:128,858,372, A>G. VCF-style: chr7-128858372-A-G. GRCh37 (hg19) VCF-style: chr7-128498426-A-G.
Other names: c.7928A>G, p.Lys2643Arg (NM_001127487.2); short protein forms K2643R, K2676R.
Identifiers: ClinVar variation 3749737 (VCV003749737.2).

ClinVar aggregate classification (germline): Uncertain significance (1 of 4 stars; one submission).

Conditions:
Distal myopathy with posterior leg and anterior hand involvement. Also called: WILLIAMS DISTAL MYOPATHY. Identifiers: Orphanet 63273, MedGen C3279722, MONDO:0013550, OMIM 614065.
Hypertrophic cardiomyopathy 26. Also called: Cardiomyopathy, familial hypertrophic, 26. Identifiers: Orphanet 75249, MedGen C4310749, MONDO:0014883, OMIM 617047.
Myofibrillar myopathy 5. Also called: Filaminopathy (type); FILAMINOPATHY, AUTOSOMAL DOMINANT. Identifiers: Orphanet 171445, MedGen C1836050, MONDO:0012289, OMIM 609524.

gnomAD v4.1: 2 of 1,585,804 alleles (0.00013%); highest among the groups gnomAD compares: African/African-American, 0.0014%; no homozygotes.

Submission:

Labcorp Genetics (formerly Invitae), Labcorp
Classification: Uncertain significance for Distal myopathy with posterior leg and anterior hand involvement; Myofibrillar myopathy 5; Hypertrophic cardiomyopathy 26. Last evaluated: 2025-06-16. Review status: criteria provided, single submitter. Criteria: Invitae Variant Classification Sherloc (09022015). Collection method: clinical testing. Allele origin: germline.
Comment: This sequence change replaces lysine, which is basic and polar, with arginine, which is basic and polar, at codon 2676 of the FLNC protein (p.Lys2676Arg). This variant is not present in population databases (gnomAD no frequency). This variant has not been reported in the literature in individuals affected with FLNC-related conditions. ClinVar contains an entry for this variant (Variation ID: 3749737). Invitae Evidence Modeling of protein sequence and biophysical properties (such as structural, functional, and spatial information, amino acid conservation, physicochemical variation, residue mobility, and thermodynamic stability) indicates that this missense variant is not expected to disrupt FLNC protein function with a negative predictive value of 95%. In summary, the available evidence is currently insufficient to determine the role of this variant in disease. Therefore, it has been classified as a Variant of Uncertain Significance.